The following is an entry in ClinVar:

ClinVar aggregate classification (germline): Benign/Likely benign. Review status: criteria provided, multiple submitters, no conflicts (2 of 4 stars). 4 submissions from 4 submitters: Benign (2); Likely benign (2). Last evaluated 2026-01-26.

Conditions:
Cardiovascular phenotype. Identifiers: MedGen CN230736.
Dilated cardiomyopathy 1JJ (CMD1JJ). Identifiers: Orphanet 154, MedGen C3808935, MONDO:0014095, OMIM 615235.

Allele frequency attached by ClinVar (database versions not stated): gnomAD exomes 0.00004 and 0.00014; 1000 Genomes Project 30x 0.00031; gnomAD 0.00048 and 0.00050; TOPMed 0.00059; ExAC 0.00015; ESP Exome Variant Server 0.00031; 1000 Genomes Project 0.00040.
gnomAD v4.1: 143 of 1,614,098 alleles (0.0089%); highest among the groups gnomAD compares: African/African-American, 0.16%; 2 homozygotes.

Submissions (4):

Labcorp Genetics (formerly Invitae), Labcorp
Classification: Benign for Dilated cardiomyopathy 1JJ. Last evaluated: 2026-01-26. Review status: criteria provided, single submitter. Criteria: Invitae Variant Classification Sherloc (09022015). Collection method: clinical testing. Allele origin: germline.

Fulgent Genetics
Classification: Likely benign for Dilated cardiomyopathy 1JJ. Last evaluated: 2021-10-01. Review status: criteria provided, single submitter. Criteria: ACMG Guidelines, 2015. Collection method: clinical testing. Allele origin: unknown.

Ambry Genetics
Classification: Likely benign for Cardiovascular phenotype. Last evaluated: 2016-11-29. Review status: criteria provided, single submitter. Criteria: Ambry Variant Classification Scheme 2023. Collection method: clinical testing. Allele origin: germline.

GeneDx
Classification: Benign. Last evaluated: 2015-04-28. Review status: criteria provided, single submitter. Criteria: GeneDx Variant Classification (06012015). Collection method: clinical testing. Allele origin: germline. Affected: yes.
Comment: This variant is considered likely benign or benign based on one or more of the following criteria: it is a conservative change, it occurs at a poorly conserved position in the protein, it is predicted to be benign by multiple in silico algorithms, and/or has population frequency not consistent with disease.

NM_001105206.3(LAMA4):c.5340A>G (p.Thr1780=)

Gene: LAMA4 (laminin subunit alpha 4; minus strand). Cytogenetic location: 6q21.
Variant type: single nucleotide variant.
Coding change: c.5340A>G on transcript NM_001105206.3 (MANE Select); coding-DNA position 5340, A replaced by G.
Protein change: p.Thr1780=; no amino-acid change (threonine 1780 retained).
Molecular consequence: synonymous variant.
Genome position (GRCh38, 1-based): chr6:112,109,569, T>C on the plus strand (A>G on the coding strand, the complement: LAMA4 is on the minus strand). VCF-style: chr6-112109569-T-C. GRCh37 (hg19) VCF-style: chr6-112430772-T-C.
Other names: p.T1773T:ACA>ACG; c.5319A>G, p.Thr1773= (NM_001105207.3, NM_002290.5).
Identifiers: ClinVar variation 213578 (VCV000213578.17), dbSNP rs139241892, ClinGen allele CA319792.